The following is an entry in ClinVar:

NM_017613.4(DONSON):c.*4C>T

Gene: DONSON (DNA replication fork stabilization factor DONSON; minus strand). Cytogenetic location: 21q22.11.
Variant type: single nucleotide variant.
Coding change: c.*4C>T on transcript NM_017613.4 (MANE Select); 4 bases downstream of the stop codon, C replaced by T.
Molecular consequence: 3 prime UTR variant.
Genome position (GRCh38, 1-based): chr21:33,578,303, G>A on the plus strand (C>T on the coding strand, the complement: DONSON is on the minus strand). VCF-style: chr21-33578303-G-A. GRCh37 (hg19) VCF-style: chr21-34950609-G-A.
Identifiers: ClinVar variation 2498896 (VCV002498896.28), dbSNP rs116461921, ClinGen allele CA10010238.
Genomic context (GRCh38, chr21:33,578,303, plus strand): 5'-ATCTTGAATTTCCTTGCTAGAAGGCTTTTTTCCTCAAAGATTCCTTTTAGGCTTACTTTG[G>A]TGTTCAGGATCTCCAATTATAAATGTAGTCTCTCAGCACCACATTCCGTAAAGATGATTT-3'

ClinVar aggregate classification (germline): Benign (1 of 4 stars; one submission).

Allele frequency attached by ClinVar (database versions not stated): 1000 Genomes Project 0.00220; 1000 Genomes Project 30x 0.00250; ESP Exome Variant Server 0.00761.
gnomAD v4.1: 14,686 of 1,609,914 alleles (0.91%); highest among the groups gnomAD compares: Non-Finnish European, 1.1%; 94 homozygotes.

Submission:

CeGaT Center for Human Genetics Tuebingen
Classification: Benign. Last evaluated: 2026-04-01. Review status: criteria provided, single submitter. Criteria: CeGaT Center For Human Genetics Tuebingen Variant Classification Criteria Version 2. Collection method: clinical testing. Allele origin: germline. Affected: yes. Observed: 11 variant alleles.
Comment: DONSON: BS1, BS2